The following is an entry in ClinVar:

ClinVar aggregate classification (germline): Uncertain significance. Review status: criteria provided, multiple submitters, no conflicts (2 of 4 stars). 2 submissions from 2 submitters: Uncertain significance (2). Last evaluated 2025-01-07.

Conditions:
Desmin-related myofibrillar myopathy (MFM1). Also called: Myofibrillar myopathy 1; MYOFIBRILLAR MYOPATHY WITH ARRHYTHMOGENIC RIGHT VENTRICULAR CARDIOMYOPATHY; DESMIN-RELATED MYOPATHY WITH ARRHYTHMOGENIC RIGHT VENTRICULAR CARDIOMYOPATHY; Desminopathy; Desmin related myopathy (former name); Desmin storage myopathy (former name). Identifiers: Orphanet 363543, Orphanet 98909, MedGen C1832370, MONDO:0011076, OMIM 601419.

Submissions (2):

GeneDx
Classification: Uncertain significance. Last evaluated: 2025-01-07. Review status: criteria provided, single submitter. Criteria: GeneDx Variant Classification Process June 2021. Collection method: clinical testing. Allele origin: germline. Affected: yes.
Comment: Published functional studies suggest a damaging effect including abnormal cytoplasm aggregation with a severe impairment of filament assembly (PMID: 36497166); In silico analysis supports that this missense variant has a deleterious effect on protein structure/function; Not observed at significant frequency in large population cohorts (gnomAD); Has not been previously published in an individual with a DES-related disorder to our knowledge; This variant is associated with the following publications: (PMID: 26807690, 36497166)

Labcorp Genetics (formerly Invitae), Labcorp
Classification: Uncertain significance for Desmin-related myofibrillar myopathy. Last evaluated: 2019-01-25. Review status: criteria provided, single submitter. Criteria: Invitae Variant Classification Sherloc (09022015). Collection method: clinical testing. Allele origin: germline.
Comment: This variant has not been reported in the literature in individuals with DES-related conditions. This variant is not present in population databases (ExAC no frequency). This sequence change replaces leucine with arginine at codon 112 of the DES protein (p.Leu112Arg). The leucine residue is highly conserved and there is a moderate physicochemical difference between leucine and arginine. Algorithms developed to predict the effect of missense changes on protein structure and function are either unavailable or do not agree on the potential impact of this missense change (SIFT: "Deleterious"; PolyPhen-2: "Probably Damaging"; Align-GVGD: "Class C0"). In summary, the available evidence is currently insufficient to determine the role of this variant in disease. Therefore, it has been classified as a Variant of Uncertain Significance.

NM_001927.4(DES):c.335T>G (p.Leu112Arg)

Gene: DES (desmin; plus strand). Cytogenetic location: 2q35.
Variant type: single nucleotide variant.
Coding change: c.335T>G on transcript NM_001927.4 (MANE Select); coding-DNA position 335, T replaced by G.
Protein change: p.Leu112Arg; replaces leucine 112 with arginine.
Molecular consequence: missense variant.
Genome position (GRCh38, 1-based): chr2:219,418,797, T>G. VCF-style: chr2-219418797-T-G. GRCh37 (hg19) VCF-style: chr2-220283519-T-G.
Other names: short protein forms L112R.
Identifiers: ClinVar variation 863995 (VCV000863995.11), dbSNP rs1954372144, ClinGen allele CA350685330.